The following is an entry in ClinVar:

ClinVar aggregate classification (germline): Uncertain significance. Review status: criteria provided, multiple submitters, no conflicts (2 of 4 stars). 3 submissions from 3 submitters: Uncertain significance (3). Last evaluated 2026-01-06.

Conditions:
Arrhythmogenic cardiomyopathy with wooly hair and keratoderma. Also called: Arrhythmogenic cardiomyopathy with woolly hair and keratoderma; Dilated cardiomyopathy with woolly hair and keratoderma; PALMOPLANTAR KERATODERMA WITH LEFT VENTRICULAR CARDIOMYOPATHY AND WOOLLY HAIR; Carvajal syndrome. Identifiers: Orphanet 65282, MedGen C1854063, MONDO:0011581, OMIM 605676.
Arrhythmogenic right ventricular dysplasia 8 (ARVD8). Also called: Arrhythmogenic Right Ventricular Dysplasia/Cardiomyopathy 8; ARRHYTHMOGENIC RIGHT VENTRICULAR DYSPLASIA, FAMILIAL, 8; ARRHYTHMOGENIC RIGHT VENTRICULAR CARDIOMYOPATHY 8. Identifiers: MedGen C1843896, MONDO:0011831, OMIM 607450.
Cardiomyopathy (CMYO). Also called: Cardiomyopathies. Identifiers: Orphanet 167848, MedGen C0878544, MONDO:0004994, HP:0001638. Inheritance: Various modes of inheritance.
Cardiovascular phenotype. Identifiers: MedGen CN230736.

gnomAD v4.1: 1 of 1,559,376 alleles (0.000064%); highest among the groups gnomAD compares: Non-Finnish European, 0.000087%; no homozygotes.

Submissions (3):

Ambry Genetics
Classification: Uncertain significance for Cardiovascular phenotype. Last evaluated: 2026-01-06. Review status: criteria provided, single submitter. Criteria: Ambry Variant Classification Scheme 2023. Collection method: clinical testing. Allele origin: germline.
Comment: The p.Y56C variant (also known as c.167A>G), located in coding exon 1 of the DSP gene, results from an A to G substitution at nucleotide position 167. The tyrosine at codon 56 is replaced by cysteine, an amino acid with highly dissimilar properties. This amino acid position is conserved. In addition, the in silico prediction for this alteration is inconclusive. Based on the available evidence, the clinical significance of this variant remains unclear.

Labcorp Genetics (formerly Invitae), Labcorp
Classification: Uncertain significance for Arrhythmogenic cardiomyopathy with wooly hair and keratoderma; Arrhythmogenic right ventricular dysplasia 8. Last evaluated: 2024-05-02. Review status: criteria provided, single submitter. Criteria: Invitae Variant Classification Sherloc (09022015). Collection method: clinical testing. Allele origin: germline.
Comment: This sequence change replaces tyrosine, which is neutral and polar, with cysteine, which is neutral and slightly polar, at codon 56 of the DSP protein (p.Tyr56Cys). This variant is not present in population databases (gnomAD no frequency). This variant has not been reported in the literature in individuals affected with DSP-related conditions. ClinVar contains an entry for this variant (Variation ID: 2480522). An algorithm developed to predict the effect of missense changes on protein structure and function (PolyPhen-2) suggests that this variant is likely to be tolerated. In summary, the available evidence is currently insufficient to determine the role of this variant in disease. Therefore, it has been classified as a Variant of Uncertain Significance.

Color Diagnostics, LLC DBA Color Health
Classification: Uncertain significance for Cardiomyopathy. Last evaluated: 2024-03-06. Review status: criteria provided, single submitter. Criteria: ACMG Guidelines, 2015. Collection method: clinical testing. Allele origin: germline.
Comment: This missense variant replaces tyrosine with cysteine at codon 56 of the DSP protein. Computational prediction suggests that this variant may not impact protein structure and function (internally defined REVEL score threshold <= 0.5, PMID: 27666373). To our knowledge, functional studies have not been reported for this variant. This variant has not been reported in individuals affected with cardiovascular disorders in the literature. This variant has not been identified in the general population by the Genome Aggregation Database (gnomAD). The available evidence is insufficient to determine the role of this variant in disease conclusively. Therefore, this variant is classified as a Variant of Uncertain Significance.

NM_004415.4(DSP):c.167A>G (p.Tyr56Cys)

Genes: DSP (desmoplakin; plus strand), DSP-AS1 (DSP antisense RNA 1; minus strand). Cytogenetic location: 6p24.3.
Variant type: single nucleotide variant.
Coding change: c.167A>G on transcript NM_004415.4 (MANE Select); coding-DNA position 167, A replaced by G.
Protein change: p.Tyr56Cys; replaces tyrosine 56 with cysteine.
Molecular consequence: missense variant.
Genome position (GRCh38, 1-based): chr6:7,542,082, A>G. VCF-style: chr6-7542082-A-G. GRCh37 (hg19) VCF-style: chr6-7542315-A-G.
Other names: c.167A>G, p.Tyr56Cys (NM_001008844.3, NM_001319034.2, NM_001406591.1); short protein forms Y56C.
Identifiers: ClinVar variation 2480522 (VCV002480522.7), dbSNP rs2533801792, ClinGen allele CA362676053.